The following is an entry in ClinVar:

NM_000426.4(LAMA2):c.3020_3021del (p.Gln1007fs)

Gene: LAMA2 (laminin subunit alpha 2; plus strand). Cytogenetic location: 6q22.33.
Variant type: Deletion.
Coding change: c.3020_3021del on transcript NM_000426.4 (MANE Select); coding-DNA positions 3020 to 3021, 2 bases deleted (AA; older notation c.3020_3021delAA).
Protein change: p.Gln1007fs; shifts the reading frame from glutamine 1007.
Molecular consequence: frameshift variant.
Genome position (GRCh38, 1-based): chr6:129,297,848-129,297,849, AA deleted. VCF-style (leftmost placement, unchanged base first): chr6-129297847-CAA-C. GRCh37 (hg19) VCF-style: chr6-129618992-CAA-C.
Other names: c.3020_3021del, p.Gln1007fs (NM_001079823.2); short protein forms Q1007fs.
Identifiers: ClinVar variation 1451485 (VCV001451485.6), dbSNP rs757164022, ClinGen allele CA3993130.

ClinVar aggregate classification (germline): Pathogenic (1 of 4 stars; one submission).

Conditions:
LAMA2-related muscular dystrophy (LAMA2-RD). Also called: Laminin alpha 2-related dystrophy. Identifiers: MedGen C5679788, MONDO:0100228.

Allele frequency attached by ClinVar (database versions not stated): gnomAD exomes below 0.00001; ExAC 0.00001; gnomAD 0.00001.

Submission:

Labcorp Genetics (formerly Invitae), Labcorp
Classification: Pathogenic for LAMA2-related muscular dystrophy. Last evaluated: 2022-03-03. Review status: criteria provided, single submitter. Criteria: Invitae Variant Classification Sherloc (09022015). Collection method: clinical testing. Allele origin: germline.
Comment: For these reasons, this variant has been classified as Pathogenic. This sequence change creates a premature translational stop signal (p.Gln1007Argfs*8) in the LAMA2 gene. It is expected to result in an absent or disrupted protein product. Loss-of-function variants in LAMA2 are known to be pathogenic (PMID: 18700894, 32904964). This variant is present in population databases (rs757164022, gnomAD 0.0009%). This variant has not been reported in the literature in individuals affected with LAMA2-related conditions.

Literature cited by the submitters: PubMed 18700894; PubMed 32904964.